The following is an entry in ClinVar:

NM_001385012.1(NBEA):c.4772G>A (p.Arg1591Lys)

Gene: NBEA (neurobeachin; plus strand). Cytogenetic location: 13q13.3.
Variant type: single nucleotide variant.
Coding change: c.4772G>A on transcript NM_001385012.1 (MANE Select); coding-DNA position 4772, G replaced by A.
Protein change: p.Arg1591Lys; replaces arginine 1591 with lysine.
Molecular consequence: missense variant.
Genome position (GRCh38, 1-based): chr13:35,182,469, G>A. VCF-style: chr13-35182469-G-A. GRCh37 (hg19) VCF-style: chr13-35756606-G-A.
Other names: c.4763G>A, p.Arg1588Lys (NM_001379245.1); c.4772G>A, p.Arg1591Lys (NM_015678.5); short protein forms R1588K, R1591K.
Identifiers: ClinVar variation 5007950 (VCV005007950.1).

ClinVar aggregate classification (germline): Uncertain significance (1 of 4 stars; one submission).

Submission:

GeneDx
Classification: Uncertain significance. Last evaluated: 2026-03-07. Review status: criteria provided, single submitter. Criteria: GeneDx Variant Classification Process June 2021. Collection method: clinical testing. Allele origin: germline.
Comment: Not observed at significant frequency in large population cohorts (gnomAD); In silico analysis suggests that this missense variant does not alter protein structure/function; Has not been previously published as pathogenic or benign to our knowledge